The following is an entry in ClinVar:

NM_019842.4(KCNQ5):c.1287C>A (p.Ser429Arg)

Gene: KCNQ5 (potassium voltage-gated channel subfamily Q member 5; plus strand). Cytogenetic location: 6q13.
Variant type: single nucleotide variant.
Coding change: c.1287C>A on transcript NM_019842.4 (MANE Select); coding-DNA position 1287, C replaced by A.
Protein change: p.Ser429Arg; replaces serine 429 with arginine.
Molecular consequence: missense variant. On other transcripts: intron variant (1).
Genome position (GRCh38, 1-based): chr6:73,133,460, C>A. VCF-style: chr6-73133460-C-A. GRCh37 (hg19) VCF-style: chr6-73843183-C-A.
Other names: c.1260C>A, p.Ser420Arg (NM_001160130.2); c.1317C>A, p.Ser439Arg (NM_001160132.2); c.1344C>A, p.Ser448Arg (NM_001160133.2); c.1247+8948C>A (NM_001160134.2); short protein forms S439R, S448R, S420R, S429R.
Identifiers: ClinVar variation 2305290 (VCV002305290.2), dbSNP rs2533762467, ClinGen allele CA364828122.

ClinVar aggregate classification (germline): Likely pathogenic (1 of 4 stars; one submission).

Conditions:
Inborn genetic diseases. Identifiers: MedGen C0950123, MeSH D030342.

Submission:

Ambry Genetics
Classification: Likely pathogenic for Inborn genetic diseases. Last evaluated: 2022-09-15. Review status: criteria provided, single submitter. Criteria: Ambry Variant Classification Scheme 2023. Collection method: clinical testing. Allele origin: germline.
Comment: The c.1344C>A (p.S448R) alteration is located in exon 11 (coding exon 11) of the KCNQ5 gene. This alteration results from a C to A substitution at nucleotide position 1344, causing the serine (S) at amino acid position 448 to be replaced by an arginine (R). This variant was not reported in population-based cohorts in the Genome Aggregation Database (gnomAD). This amino acid position is highly conserved in available vertebrate species. This alteration is predicted to be deleterious by in silico analysis. Based on the available evidence, this alteration is classified as likely pathogenic.

Literature cited by the submitters: PubMed 28669405.